The following is an entry in ClinVar:

ClinVar aggregate classification (germline): not provided (0 of 4 stars; one submission).

Submission:

James Howe Lab, University of Iowa Hospital and Clinics
No classification provided. Review status: no classification provided. Collection method: not provided. Allele origin: unknown.
Comment: Analysis of CDKN1B mutations in 86 patients with small bowel neuroendocrine tumors and 68 patients with pancreas neuroendocrine tumors.

NM_005522.5(HOXA1):c.215A>C (p.His72Pro)

Gene: HOXA1 (homeobox A1; minus strand). Cytogenetic location: 7p15.2.
Variant type: single nucleotide variant.
Coding change: c.215A>C on transcript NM_005522.5 (MANE Select); coding-DNA position 215, A replaced by C.
Protein change: p.His72Pro; replaces histidine 72 with proline.
Molecular consequence: missense variant.
Genome position (GRCh38, 1-based): chr7:27,095,698, T>G on the plus strand (A>C on the coding strand, the complement: HOXA1 is on the minus strand). VCF-style: chr7-27095698-T-G. GRCh37 (hg19) VCF-style: chr7-27135317-T-G.
Other names: c.215A>C, p.His72Pro (NM_153620.3); short protein forms H72P.
Identifiers: ClinVar variation 156710 (VCV000156710.1), dbSNP rs587777901, ClinGen allele CA248410.